The following is an entry in ClinVar:

NM_014585.6(SLC40A1):c.611G>A (p.Gly204Asp)

Gene: SLC40A1 (solute carrier family 40 member 1; minus strand). Cytogenetic location: 2q32.2.
Variant type: single nucleotide variant.
Coding change: c.611G>A on transcript NM_014585.6 (MANE Select); coding-DNA position 611, G replaced by A.
Protein change: p.Gly204Asp; replaces glycine 204 with aspartic acid.
Molecular consequence: missense variant.
Genome position (GRCh38, 1-based): chr2:189,565,503, C>T on the plus strand (G>A on the coding strand, the complement: SLC40A1 is on the minus strand). VCF-style: chr2-189565503-C-T. GRCh37 (hg19) VCF-style: chr2-190430229-C-T.
Other names: short protein forms G204D.
Identifiers: ClinVar variation 2018321 (VCV002018321.4), dbSNP rs1205429003, ClinGen allele CA349988817.
Genomic context (GRCh38, chr2:189,565,503, plus strand): 5'-CAGAGCAGAACGTACTCCACGCACATGGATACCAAGTTCCATCCCGAAATAAAGCCACAG[C>T]CGATGACTGGGGAGCCAAATGTCATAATCTGGCCAACAGCCATGGGGGCTAAGATGTTGG-3'
Protein context (NP_055400.1, residues 194-214): QIMTFGSPVI[Gly204Asp]CGFISGWNLV

ClinVar aggregate classification (germline): Uncertain significance (1 of 4 stars; one submission).

Conditions:
Hemochromatosis type 4 (HFE4). Also called: HEMOCHROMATOSIS DUE TO DEFECT IN FERROPORTIN; HEMOCHROMATOSIS, AUTOSOMAL DOMINANT; Ferroportin disease. Identifiers: Orphanet 139491, Orphanet 647834, Orphanet 648562, MedGen C1853733, MONDO:0011631, OMIM 606069.

Submission:

Labcorp Genetics (formerly Invitae), Labcorp
Classification: Uncertain significance for Hemochromatosis type 4. Last evaluated: 2022-10-13. Review status: criteria provided, single submitter. Criteria: Invitae Variant Classification Sherloc (09022015). Collection method: clinical testing. Allele origin: germline.
Comment: In summary, the available evidence is currently insufficient to determine the role of this variant in disease. Therefore, it has been classified as a Variant of Uncertain Significance. This variant disrupts the p.Gly204 amino acid residue in SLC40A1. Other variant(s) that disrupt this residue have been determined to be pathogenic (PMID: 21199650, 23943237, 31640930). This suggests that this residue is clinically significant, and that variants that disrupt this residue are likely to be disease-causing. Advanced modeling of protein sequence and biophysical properties (such as structural, functional, and spatial information, amino acid conservation, physicochemical variation, residue mobility, and thermodynamic stability) performed at Invitae indicates that this missense variant is expected to disrupt SLC40A1 protein function. This variant has not been reported in the literature in individuals affected with SLC40A1-related conditions. This variant is not present in population databases (gnomAD no frequency). This sequence change replaces glycine, which is neutral and non-polar, with aspartic acid, which is acidic and polar, at codon 204 of the SLC40A1 protein (p.Gly204Asp).

Literature cited by the submitters: PubMed 21199650; PubMed 23943237; PubMed 31640930.